The following is an entry in ClinVar:

ClinVar aggregate classification (germline): Uncertain significance (1 of 4 stars; one submission).

Conditions:
Cardiovascular phenotype. Identifiers: MedGen CN230736.

Allele frequency attached by ClinVar (database versions not stated): gnomAD exomes below 0.00001; TOPMed below 0.00001.

Submission:

Ambry Genetics
Classification: Uncertain significance for Cardiovascular phenotype. Last evaluated: 2023-04-09. Review status: criteria provided, single submitter. Criteria: Ambry Variant Classification Scheme 2023. Collection method: clinical testing. Allele origin: germline.
Comment: The p.S369C variant (also known as c.1106C>G), located in coding exon 1 of the ZNF469 gene, results from a C to G substitution at nucleotide position 1106. The serine at codon 369 is replaced by cysteine, an amino acid with dissimilar properties. This amino acid position is conserved. In addition, this alteration is predicted to be tolerated by in silico analysis. Since supporting evidence is limited at this time, the clinical significance of this alteration remains unclear.

NM_001367624.2(ZNF469):c.1106C>G (p.Ser369Cys)

Gene: ZNF469 (zinc finger protein 469; plus strand). Cytogenetic location: 16q24.2.
Variant type: single nucleotide variant.
Coding change: c.1106C>G on transcript NM_001367624.2 (MANE Select); coding-DNA position 1106, C replaced by G.
Protein change: p.Ser369Cys; replaces serine 369 with cysteine.
Molecular consequence: missense variant.
Genome position (GRCh38, 1-based): chr16:88,428,576, C>G. VCF-style: chr16-88428576-C-G. GRCh37 (hg19) VCF-style: chr16-88494984-C-G.
Other names: NM_001127464.1:c.1106C>G; short protein forms S369C.
Identifiers: ClinVar variation 2564222 (VCV002564222.2), dbSNP rs1905875864, ClinGen allele CA397063187.